The following is an entry in ClinVar:

ClinVar aggregate classification (germline): Uncertain significance (1 of 4 stars; one submission).

Conditions:
Neurodevelopmental disorder. Identifiers: MedGen C1535926, MeSH D065886, MONDO:0700092.

Submission:

Victorian Clinical Genetics Services, Murdoch Childrens Research Institute
Classification: Uncertain significance for Neurodevelopmental disorder. Last evaluated: 2024-09-22. Review status: criteria provided, single submitter. Criteria: ACMG Guidelines, 2015. Collection method: clinical testing. Allele origin: germline. Inheritance: Autosomal dominant inheritance. Affected: yes.
Comment: Based on the classification scheme VCGS_Germline_v1.3.4, this variant is classified as VUS-3B. Following criteria are met: 0105 - The mechanism for this gene is not clearly established. Dominant-negative has been speculated as the mechanism of disease (PMID:36322151). This gene is associated with neurodevelopmental disorder (MONDO:0700092), KDM2B-related (PMID:36322151). (I) 0107 - This gene is associated with autosomal dominant disease. (I) 0204 - Variant is predicted to result in a truncated protein (premature termination codon is located within the first 102 nucleotides of the coding sequence and is predicted to escape nonsense-mediated decay). (SP) 0219 - This variant is non-coding in an alternative transcript (UCSC). (I) 0251 - This variant is heterozygous. (I) 0301 - Variant is absent from gnomAD (both v2 and v3). (SP) 0705 - No comparable protein-truncating variants have previous evidence for pathogenicity. (I) 0807 - This variant has no previous evidence of pathogenicity. (I) 0905 - No published segregation evidence has been identified for this variant. (I) 1007 - No published functional evidence has been identified for this variant. (I) Legend: (SP) - Supporting pathogenic, (I) - Information, (SB) - Supporting benign

Literature cited by the submitters: PubMed 36322151.

NM_032590.5(KDM2B):c.54_58del (p.Arg18fs)

Genes: KDM2B (lysine demethylase 2B; minus strand), KDM2B-DT (KDM2B divergent transcript; plus strand). Cytogenetic location: 12q24.31.
Variant type: Deletion.
Coding change: c.54_58del on transcript NM_032590.5 (MANE Select); coding-DNA positions 54 to 58, 5 bases deleted (ACATG; older notation c.54_58delACATG).
Protein change: p.Arg18fs; shifts the reading frame from arginine 18.
Molecular consequence: frameshift variant. On other transcripts: non-coding transcript variant (1).
Genome position (GRCh38, 1-based): chr12:121,580,854-121,580,858, CATGT deleted on the plus strand (ACATG on the coding strand, the reverse complement: KDM2B is on the minus strand); deleting any 5 consecutive bases within chr12:121,580,854-121,580,859 gives the same sequence; the c. name uses the placement nearest the transcript's 3' end. VCF-style (leftmost placement, unchanged base first): chr12-121580853-GCATGT-G. GRCh37 (hg19) VCF-style: chr12-122018758-GCATGT-G.
Other names: short protein forms R18fs.
Identifiers: ClinVar variation 3376850 (VCV003376850.1).